The following is an entry in ClinVar:

NM_001018115.3(FANCD2):c.1947+6G>A

Genes: FANCD2 (FA complementation group D2; plus strand), LOC107303338 (3p25 FANCD2 Alu-mediated recombination region; plus strand). Cytogenetic location: 3p25.3.
Variant type: single nucleotide variant.
Coding change: c.1947+6G>A on transcript NM_001018115.3 (MANE Select); 6 bases into the intron after coding-DNA position 1947, G replaced by A.
Molecular consequence: intron variant.
Genome position (GRCh38, 1-based): chr3:10,063,917, G>A. VCF-style: chr3-10063917-G-A. GRCh37 (hg19) VCF-style: chr3-10105601-G-A.
Other names: c.1947+6G>A (NM_001319984.2, NM_033084.6, NM_001374254.1); c.1836+6G>A (NM_001374253.1).
Identifiers: ClinVar variation 3019492 (VCV003019492.2), dbSNP rs1401525866, ClinGen allele CA2664391116.

ClinVar aggregate classification (germline): Uncertain significance (1 of 4 stars; one submission).

Conditions:
Fanconi anemia (FA). Also called: Fanconi's anemia. Identifiers: Orphanet 84, MedGen C0015625, MeSH D005199, MONDO:0019391.

Allele frequency attached by ClinVar (database versions not stated): gnomAD exomes below 0.00001.
gnomAD v4.1: 1 of 1,614,214 alleles (0.000062%); highest among the groups gnomAD compares: Non-Finnish European, 0.000085%; no homozygotes.

Submission:

Labcorp Genetics (formerly Invitae), Labcorp
Classification: Uncertain significance for Fanconi anemia. Last evaluated: 2022-10-31. Review status: criteria provided, single submitter. Criteria: Invitae Variant Classification Sherloc (09022015). Collection method: clinical testing. Allele origin: germline.
Comment: In summary, the available evidence is currently insufficient to determine the role of this variant in disease. Therefore, it has been classified as a Variant of Uncertain Significance. Variants that disrupt the consensus splice site are a relatively common cause of aberrant splicing (PMID: 17576681, 9536098). Algorithms developed to predict the effect of sequence changes on RNA splicing suggest that this variant is not likely to affect RNA splicing. This variant has not been reported in the literature in individuals affected with FANCD2-related conditions. This variant is not present in population databases (gnomAD no frequency). This sequence change falls in intron 21 of the FANCD2 gene. It does not directly change the encoded amino acid sequence of the FANCD2 protein. It affects a nucleotide within the consensus splice site.

Literature cited by the submitters: PubMed 17576681; PubMed 9536098.